The following is an entry in ClinVar:

NM_000844.4(GRM7):c.1033G>T (p.Gly345Trp)

Gene: GRM7 (glutamate metabotropic receptor 7; plus strand). Cytogenetic location: 3p26.1.
Variant type: single nucleotide variant.
Coding change: c.1033G>T on transcript NM_000844.4 (MANE Select); coding-DNA position 1033, G replaced by T.
Protein change: p.Gly345Trp; replaces glycine 345 with tryptophan.
Molecular consequence: missense variant.
Genome position (GRCh38, 1-based): chr3:7,306,652, G>T. VCF-style: chr3-7306652-G-T. GRCh37 (hg19) VCF-style: chr3-7348339-G-T.
Other names: c.1033G>T, p.Gly345Trp (NM_181874.3); short protein forms G345W.
Identifiers: ClinVar variation 2662209 (VCV002662209.2), dbSNP rs2469971571, ClinGen allele CA351798307.

ClinVar aggregate classification (germline): Uncertain significance (1 of 4 stars; one submission).

Submission:

GeneDx
Classification: Uncertain significance. Last evaluated: 2026-01-29. Review status: criteria provided, single submitter. Criteria: GeneDx Variant Classification Process June 2021. Collection method: clinical testing. Allele origin: germline.
Comment: Not observed at significant frequency in large population cohorts (gnomAD); In silico analysis supports that this missense variant has a deleterious effect on protein structure/function; In silico analysis supports a deleterious effect on splicing; Has not been previously published as pathogenic or benign to our knowledge